The following is an entry in ClinVar:

ClinVar aggregate classification (germline): Uncertain significance (1 of 4 stars; one submission).

Conditions:
Cornelia de Lange syndrome 3 (CDLS3). Also called: SMC3-Related Cornelia de Lange Syndrome; CORNELIA DE LANGE SYNDROME 3 WITH OR WITHOUT MIDLINE BRAIN DEFECTS. Identifiers: Orphanet 199, MedGen C1853099, MONDO:0012555, OMIM 610759.

Submission:

Institute of Human Genetics, University of Goettingen
Classification: Uncertain significance for Cornelia de Lange syndrome 3. Last evaluated: 2019-04-26. Review status: criteria provided, single submitter. Criteria: ACMG Guidelines, 2015. Collection method: clinical testing. Allele origin: germline. Inheritance: Autosomal dominant inheritance. Affected: yes. Observed: 1 heterozygote.
Comment: According to ACMG classification variant is of unknown significance, but it affects a highly conserved amino acid with damaging prediction of various prediction programs.

NM_005445.4(SMC3):c.2132T>C (p.Ile711Thr)

Gene: SMC3 (structural maintenance of chromosomes 3; plus strand). Cytogenetic location: 10q25.2.
Variant type: single nucleotide variant.
Coding change: c.2132T>C on transcript NM_005445.4 (MANE Select); coding-DNA position 2132, T replaced by C.
Protein change: p.Ile711Thr; replaces isoleucine 711 with threonine.
Molecular consequence: missense variant.
Genome position (GRCh38, 1-based): chr10:110,598,154, T>C. VCF-style: chr10-110598154-T-C. GRCh37 (hg19) VCF-style: chr10-112357912-T-C.
Other names: short protein forms I711T.
Identifiers: ClinVar variation 638160 (VCV000638160.3), dbSNP rs1590567899, ClinGen allele CA378392015.